The following is an entry in ClinVar:

NM_012431.3(SEMA3E):c.1709A>T (p.Gln570Leu)

Gene: SEMA3E (semaphorin 3E; minus strand). Cytogenetic location: 7q21.11.
Variant type: single nucleotide variant.
Coding change: c.1709A>T on transcript NM_012431.3 (MANE Select); coding-DNA position 1709, A replaced by T.
Protein change: p.Gln570Leu; replaces glutamine 570 with leucine.
Molecular consequence: missense variant.
Genome position (GRCh38, 1-based): chr7:83,387,009, T>A on the plus strand (A>T on the coding strand, the complement: SEMA3E is on the minus strand). VCF-style: chr7-83387009-T-A. GRCh37 (hg19) VCF-style: chr7-83016325-T-A.
Other names: c.1529A>T, p.Gln510Leu (NM_001178129.2); short protein forms Q510L, Q570L.
Identifiers: ClinVar variation 1057223 (VCV001057223.9), dbSNP rs1787895198, ClinGen allele CA367922032.
Genomic context (GRCh38, chr7:83,387,009, plus strand): 5'-AGTAACCCAGAACAACTGATTTTCTATGGATTACCAACAAACTGTTGTCCAAAGCACTGC[T>A]GAGCTGCATTTCCATGTCGAACATCTTGTCTCCGGAAACGCCTGAAAGAAAGTAAATGCA-3'
Protein context (NP_036563.1, residues 560-580): RQDVRHGNAA[Gln570Leu]QCFGQQFVGD

ClinVar aggregate classification (germline): Uncertain significance (1 of 4 stars; one submission).

Conditions:
CHARGE syndrome (CHARGE). Also called: Hittner Hirsch Kreh syndrome; CHARGE ASSOCIATION--COLOBOMA, HEART ANOMALY, CHOANAL ATRESIA, RETARDATION, GENITAL AND EAR ANOMALIES; Coloboma, heart anomaly, choanal atresia, retardation, genital and ear anomalies; CHARGE association; Hall-Hittner syndrome. Identifiers: Orphanet 138, MedGen C0265354, MONDO:0008965.

Submission:

Labcorp Genetics (formerly Invitae), Labcorp
Classification: Uncertain significance for CHARGE syndrome. Last evaluated: 2023-10-22. Review status: criteria provided, single submitter. Criteria: Invitae Variant Classification Sherloc (09022015). Collection method: clinical testing. Allele origin: germline.
Comment: This sequence change replaces glutamine, which is neutral and polar, with leucine, which is neutral and non-polar, at codon 570 of the SEMA3E protein (p.Gln570Leu). This variant is not present in population databases (gnomAD no frequency). This variant has not been reported in the literature in individuals affected with SEMA3E-related conditions. ClinVar contains an entry for this variant (Variation ID: 1057223). Advanced modeling of protein sequence and biophysical properties (such as structural, functional, and spatial information, amino acid conservation, physicochemical variation, residue mobility, and thermodynamic stability) performed at Invitae indicates that this missense variant is not expected to disrupt SEMA3E protein function. In summary, the available evidence is currently insufficient to determine the role of this variant in disease. Therefore, it has been classified as a Variant of Uncertain Significance.